The following is an entry in ClinVar:

NM_020232.5(PSMG2):c.407G>A (p.Ser136Asn)

Gene: PSMG2 (proteasome assembly chaperone 2; plus strand). Cytogenetic location: 18p11.21.
Variant type: single nucleotide variant.
Coding change: c.407G>A on transcript NM_020232.5 (MANE Select); coding-DNA position 407, G replaced by A.
Protein change: p.Ser136Asn; replaces serine 136 with asparagine.
Molecular consequence: missense variant.
Genome position (GRCh38, 1-based): chr18:12,718,635, G>A. VCF-style: chr18-12718635-G-A. GRCh37 (hg19) VCF-style: chr18-12718634-G-A.
Other names: c.314G>A, p.Ser105Asn (NM_147163.2); short protein forms S105N, S136N.
Identifiers: ClinVar variation 2032147 (VCV002032147.4), dbSNP rs2510995360, ClinGen allele CA401967662.
Genomic context (GRCh38, chr18:12,718,635, plus strand): 5'-CCAGAGTCATTGTTCTTTCAAGCAGTCATTCATATCAGCGTAATGATCTGCAGCTTCGTA[G>A]GTATGTTTCTGCCTCTGGAAAGTTATTTTTGGTATGGTTTATACTATGATAATTTCTCTA-3'
Protein context (NP_064617.2, residues 126-146): SYQRNDLQLR[Ser136Asn]TPFRYLLTPS

ClinVar aggregate classification (germline): Uncertain significance (1 of 4 stars; one submission).

Submission:

Labcorp Genetics (formerly Invitae), Labcorp
Classification: Uncertain significance. Last evaluated: 2022-09-23. Review status: criteria provided, single submitter. Criteria: Invitae Variant Classification Sherloc (09022015). Collection method: clinical testing. Allele origin: germline.
Comment: This sequence change replaces serine, which is neutral and polar, with asparagine, which is neutral and polar, at codon 136 of the PSMG2 protein (p.Ser136Asn). This variant also falls at the last nucleotide of exon 4, which is part of the consensus splice site for this exon. This variant is not present in population databases (gnomAD no frequency). This variant has not been reported in the literature in individuals affected with PSMG2-related conditions. Algorithms developed to predict the effect of missense changes on protein structure and function (SIFT, PolyPhen-2, Align-GVGD) all suggest that this variant is likely to be tolerated. Variants that disrupt the consensus splice site are a relatively common cause of aberrant splicing (PMID: 17576681, 9536098). Algorithms developed to predict the effect of sequence changes on RNA splicing suggest that this variant may disrupt the consensus splice site. In summary, the available evidence is currently insufficient to determine the role of this variant in disease. Therefore, it has been classified as a Variant of Uncertain Significance.

Literature cited by the submitters: PubMed 17576681; PubMed 9536098.